The following is an entry in ClinVar:

ClinVar aggregate classification (germline): Uncertain significance (1 of 4 stars; one submission).

Conditions:
Intellectual developmental disorder, autosomal dominant 1. Also called: Intellectual disability, autosomal dominant 1; MBD5 Haploinsufficiency. Identifiers: Orphanet 228402, MedGen C1969562, MONDO:0007974, OMIM 156200.

Submission:

Labcorp Genetics (formerly Invitae), Labcorp
Classification: Uncertain significance for Intellectual developmental disorder, autosomal dominant 1. Last evaluated: 2024-05-20. Review status: criteria provided, single submitter. Criteria: Invitae Variant Classification Sherloc (09022015). Collection method: clinical testing. Allele origin: germline.
Comment: This sequence change replaces proline, which is neutral and non-polar, with arginine, which is basic and polar, at codon 1133 of the MBD5 protein (p.Pro1133Arg). This variant is not present in population databases (gnomAD no frequency). This variant has not been reported in the literature in individuals affected with MBD5-related conditions. ClinVar contains an entry for this variant (Variation ID: 1472865). Experimental studies and prediction algorithms are not available or were not evaluated, and the functional significance of this variant is currently unknown. In summary, the available evidence is currently insufficient to determine the role of this variant in disease. Therefore, it has been classified as a Variant of Uncertain Significance.

NM_001378120.1(MBD5):c.4097C>G (p.Pro1366Arg)

Gene: MBD5 (methyl-CpG binding domain protein 5; plus strand). Cytogenetic location: 2q23.1.
Variant type: single nucleotide variant.
Coding change: c.4097C>G on transcript NM_001378120.1 (MANE Select); coding-DNA position 4097, C replaced by G.
Protein change: p.Pro1366Arg; replaces proline 1366 with arginine.
Molecular consequence: missense variant.
Genome position (GRCh38, 1-based): chr2:148,489,729, C>G. VCF-style: chr2-148489729-C-G. GRCh37 (hg19) VCF-style: chr2-149247298-C-G.
Other names: c.3398C>G, p.Pro1133Arg (NM_018328.5); short protein forms P1133R, P1366R.
Identifiers: ClinVar variation 1472865 (VCV001472865.8), dbSNP rs2105126294, ClinGen allele CA348728015.